The following is an entry in ClinVar:

ClinVar aggregate classification (germline): Conflicting classifications of pathogenicity. Review status: criteria provided, conflicting classifications (1 of 4 stars). 7 submissions from 7 submitters: Uncertain significance (2); Likely benign (3). 2 of the submissions do not count toward it. Last evaluated 2026-01-26.

Conditions:
Hereditary breast ovarian cancer syndrome. Also called: Hereditary breast and ovarian cancer; Breast and ovarian cancer; BRCA1- and BRCA2-Associated Hereditary Breast and Ovarian Cancer; Hereditary breast and ovarian cancer syndrome; Hereditary breast and ovarian cancer syndrome (HBOC); Hereditary breast and/or ovarian cancer syndrome. Identifiers: Orphanet 145, MedGen C0677776, MeSH D061325, MONDO:0003582. Disease mechanism: loss of function.
Microcephaly, normal intelligence and immunodeficiency (NBS). Also called: IMMUNODEFICIENCY, MICROCEPHALY, AND CHROMOSOMAL INSTABILITY; SEEMANOVA SYNDROME II; Nijmegen breakage syndrome; Microcephaly with normal intelligence immunodeficiency and lymphoreticular malignancies; Nonsyndromal microcephaly autosomal recessive with normal intelligence; Seemanova syndrome 2. Identifiers: Orphanet 647, MedGen C0398791, MONDO:0009623, OMIM 251260.
Malignant tumor of breast. Also called: Malignant breast neoplasm; Cancer breast. Identifiers: MedGen C0006142, MONDO:0007254. Disease mechanism: loss of function.

Allele frequency attached by ClinVar (database versions not stated): gnomAD exomes 0.00003 and 0.00004; gnomAD 0.00005 and 0.00006; TOPMed 0.00009; ExAC 0.00010; 1000 Genomes Project 0.00020; 1000 Genomes Project 30x 0.00031.
gnomAD v4.1: 51 of 1,532,342 alleles (0.0033%); highest among the groups gnomAD compares: African/African-American, 0.019%; no homozygotes.

Submissions (7):

Labcorp Genetics (formerly Invitae), Labcorp
Classification: Likely benign for Microcephaly, normal intelligence and immunodeficiency. Last evaluated: 2026-01-26. Review status: criteria provided, single submitter. Criteria: Invitae Variant Classification Sherloc (09022015). Collection method: clinical testing. Allele origin: germline.

Women's Health and Genetics/Laboratory Corporation of America, LabCorp
Classification: Likely benign. Last evaluated: 2025-01-09. Review status: criteria provided, single submitter. Criteria: LabCorp Variant Classification Summary - May 2015. Collection method: clinical testing. Allele origin: germline.
Comment: Variant summary: NBN c.1398-10T>A alters a non-conserved nucleotide located at a position not widely known to affect splicing. Consensus agreement among computation tools predict no significant impact on normal splicing (TrAP). However, these predictions have yet to be confirmed by functional studies. The variant allele was found at a frequency of 4.5e-05 in 202214 control chromosomes, predominantly at a frequency of 0.00047 within the African or African-American subpopulation in the gnomAD database. The available data on variant occurrences in the general population are insufficient to allow any conclusion about variant significance. c.1398-10T>A has been reported in the literature in individuals affected with breast cancer and other tumor phenotypes (e.g. van der Merwe_2022, Pearlman_2021). These report(s) do not provide unequivocal conclusions about association of the variant with Nijmegen Breakage Syndrome. To our knowledge, no experimental evidence demonstrating an impact on protein function has been reported. ClinVar contains an entry for this variant (Variation ID: 234385). Based on the evidence outlined above, the variant was classified as likely benign.

National Health Laboratory Service, Universitas Academic Hospital and University of the Free State
Classification: Uncertain significance for Hereditary breast ovarian cancer syndrome. Last evaluated: 2022-04-19. Review status: criteria provided, single submitter. Criteria: ACMG Guidelines, 2015. Collection method: clinical testing. Allele origin: germline. Affected: yes. Observed: 1 variant allele.

Genome-Nilou Lab
Classification: Likely benign for Microcephaly, normal intelligence and immunodeficiency. Last evaluated: 2021-11-07. Review status: criteria provided, single submitter. Criteria: ACMG Guidelines, 2015. Collection method: clinical testing. Allele origin: germline. Affected: no.

GeneDx
Classification: Uncertain significance. Last evaluated: 2021-05-17. Review status: criteria provided, single submitter. Criteria: GeneDx Variant Classification Process June 2021. Collection method: clinical testing. Allele origin: germline. Affected: yes.
Comment: Reported as a confirmed somatic variant in prostate and pancreatic cancer (Kumar 2016, McPherson 2020); In silico analysis supports a deleterious effect on splicing; This variant is associated with the following publications: (PMID: 26928463, 33339169)

Counsyl
Classification: Uncertain significance for Microcephaly, normal intelligence and immunodeficiency. Last evaluated: 2018-05-04. Review status: no assertion criteria provided. Collection method: clinical testing. Allele origin: unknown. Not counted in ClinVar's aggregate classification.

Department of Pathology and Laboratory Medicine, Sinai Health System
Classification: Uncertain significance for Malignant tumor of breast. Review status: no assertion criteria provided. Collection method: clinical testing. Allele origin: unknown. Affected: yes. Observed: 1 variant allele. Study: The Canadian Open Genetics Repository (COGR). Not counted in ClinVar's aggregate classification.
Comment: The NBN c.1398-10T>A variant was identified in the literature as a somatic variant in pancreatic cancer (Kumar 2016). The variant was also identified in dbSNP (ID: rs539960851) as â€šÃ„ÃºWith Uncertain significance alleleâ€šÃ„Ã¹, ClinVar and Clinvitae (as uncertain significance by GeneDx and likely benign by Invitae), and Cosmic (4x in prostate cancer and 1x in pancreatic cancer). The variant was not identified in LOVD 3.0, and Zhejiang Colon Cancer Database. The variant was identified in control databases in 9 of 198294 chromosomes at a frequency of 0.000045 (Genome Aggregation Database Feb 27, 2017). Breakdown of the observations by population include African in 6 of 12338 chromosomes (freq: 0.000486), and European (Non-Finnish) in 3 of 87742 chromosomes (freq: 0.000034), while the variant was not observed in the Other, Latino, Ashkenazi Jewish, East Asian, European (Finnish), and South Asian populations. The variant occurs outside of the splicing consensus sequence and 2 of 5 in silico or computational prediction software programs (SpliceSiteFinder, MaxEntScan, NNSPLICE, GeneSplicer, HumanSpliceFinder) predict a greater than 10% difference in splicing; this is not very predictive of pathogenicity. In summary, based on the above information the clinical significance of this variant cannot be determined with certainty at this time. This variant is classified as a variant of uncertain significance.

Literature cited by the submitters: PubMed 34250417 (cited by Women's Health and Genetics/Laboratory Corporation of America, LabCorp); PubMed 36568162 (cited by Women's Health and Genetics/Laboratory Corporation of America, LabCorp).

NM_002485.5(NBN):c.1398-10T>A

Gene: NBN (nibrin; minus strand). Cytogenetic location: 8q21.3.
Variant type: single nucleotide variant.
Coding change: c.1398-10T>A on transcript NM_002485.5 (MANE Select); 10 bases into the intron before coding-DNA position 1398, T replaced by A.
Molecular consequence: intron variant.
Genome position (GRCh38, 1-based): chr8:89,953,701, A>T on the plus strand (T>A on the coding strand, the complement: NBN is on the minus strand). VCF-style: chr8-89953701-A-T. GRCh37 (hg19) VCF-style: chr8-90965929-A-T.
Other names: c.1152-10T>A (NM_001024688.3).
Identifiers: ClinVar variation 234385 (VCV000234385.35), dbSNP rs539960851, ClinGen allele CA4802732.
Genomic context (GRCh38, chr8:89,953,701, plus strand): 5'-ATTCTTGCTGATTTGCATGAAGACATTTCTTGATTTTCTTCATCCCTTTCCCTTAGATTT[A>T]AAAAAAAAGAAGAAAACAAAACAAGAAAATGAACACAGCTAAGTAACCATTTAGTTTGGC-3'